The following is an entry in ClinVar:

ClinVar aggregate classification (germline): Uncertain significance (1 of 4 stars; one submission).

Conditions:
Congenital myasthenic syndrome 18. Also called: MYASTHENIC SYNDROME, CONGENITAL, 18, WITH INTELLECTUAL DISABILITY AND ATAXIA. Identifiers: Orphanet 590, MedGen C4225364, MONDO:0014590, OMIM 616330.

Allele frequency attached by ClinVar (database versions not stated): gnomAD exomes below 0.00001.
gnomAD v4.1: 2 of 1,613,670 alleles (0.00012%); highest among the groups gnomAD compares: Non-Finnish European, 0.00017%; no homozygotes.

Submission:

Labcorp Genetics (formerly Invitae), Labcorp
Classification: Uncertain significance for Congenital myasthenic syndrome 18. Last evaluated: 2022-03-14. Review status: criteria provided, single submitter. Criteria: Invitae Variant Classification Sherloc (09022015). Collection method: clinical testing. Allele origin: germline.
Comment: This sequence change replaces lysine, which is basic and polar, with threonine, which is neutral and polar, at codon 189 of the SNAP25 protein (p.Lys189Thr). This variant is present in population databases (no rsID available, gnomAD 0.0009%). This variant has not been reported in the literature in individuals affected with SNAP25-related conditions. Algorithms developed to predict the effect of missense changes on protein structure and function are either unavailable or do not agree on the potential impact of this missense change (SIFT: "Tolerated"; PolyPhen-2: "Possibly Damaging"; Align-GVGD: "Class C0"). In summary, the available evidence is currently insufficient to determine the role of this variant in disease. Therefore, it has been classified as a Variant of Uncertain Significance.

NM_130811.4(SNAP25):c.566A>C (p.Lys189Thr)

Gene: SNAP25 (synaptosome associated protein 25; plus strand). Cytogenetic location: 20p12.2.
Variant type: single nucleotide variant.
Coding change: c.566A>C on transcript NM_130811.4 (MANE Select); coding-DNA position 566, A replaced by C.
Protein change: p.Lys189Thr; replaces lysine 189 with threonine.
Molecular consequence: missense variant.
Genome position (GRCh38, 1-based): chr20:10,306,142, A>C. VCF-style: chr20-10306142-A-C. GRCh37 (hg19) VCF-style: chr20-10286790-A-C.
Other names: c.566A>C, p.Lys189Thr (NM_001322902.2, NM_001322903.2, NM_001322904.2 and 7 more transcripts); short protein forms K189T.
Identifiers: ClinVar variation 1947572 (VCV001947572.5), dbSNP rs1395696987, ClinGen allele CA408266830.
Genomic context (GRCh38, chr20:10,306,142, plus strand): 5'-ATTTTTAAGGGGTAACCTGAGTTCTGTTTCTTTTCCCCCTTTTCTAGGCTGATTCCAACA[A>C]AACCAGAATTGATGAGGCCAACCAACGTGCAACAAAGATGCTGGGAAGTGGTTAAGTGTG-3'
Protein context (NP_570824.1, residues 179-199): DRIMEKADSN[Lys189Thr]TRIDEANQRA